The following is an entry in ClinVar:

NM_000338.3(SLC12A1):c.1493C>T (p.Ala498Val)

Gene: SLC12A1 (solute carrier family 12 member 1; plus strand). Cytogenetic location: 15q21.1.
Variant type: single nucleotide variant.
Coding change: c.1493C>T on transcript NM_000338.3 (MANE Select); coding-DNA position 1493, C replaced by T.
Protein change: p.Ala498Val; replaces alanine 498 with valine.
Molecular consequence: missense variant.
Genome position (GRCh38, 1-based): chr15:48,246,949, C>T. VCF-style: chr15-48246949-C-T. GRCh37 (hg19) VCF-style: chr15-48539146-C-T.
Other names: c.1493C>T, p.Ala498Val (NM_001184832.2, NM_001384136.1); short protein forms A498V.
Identifiers: ClinVar variation 2137670 (VCV002137670.6), dbSNP rs1366101480, ClinGen allele CA392311814.

ClinVar aggregate classification (germline): Likely pathogenic. Review status: criteria provided, multiple submitters, no conflicts (2 of 4 stars). 3 submissions from 3 submitters: Likely pathogenic (3). Last evaluated 2025-06-24.

Conditions:
Bartter syndrome. Identifiers: Orphanet 112, MedGen C0004775, MONDO:0015231.
Bartter disease type 1. Also called: HYPERPROSTAGLANDIN E SYNDROME 1; HYPOKALEMIC ALKALOSIS WITH HYPERCALCIURIA 1, ANTENATAL; Bartter syndrome, type 1, antenatal; Bartter Syndrome type 1. Identifiers: Orphanet 112, Orphanet 620217, MedGen C1866495, MONDO:0100344, OMIM 601678, MONDO:0011127.

Allele frequency attached by ClinVar (database versions not stated): gnomAD 0.00003; TOPMed 0.00003.
gnomAD v4.1: 8 of 1,613,816 alleles (0.0005%); highest among the groups gnomAD compares: Admixed American, 0.0017%; no homozygotes.

Submissions (3):

Labcorp Genetics (formerly Invitae), Labcorp
Classification: Likely pathogenic. Last evaluated: 2025-06-24. Review status: criteria provided, single submitter. Criteria: Invitae Variant Classification Sherloc (09022015). Collection method: clinical testing. Allele origin: germline.
Comment: This sequence change replaces alanine, which is neutral and non-polar, with valine, which is neutral and non-polar, at codon 498 of the SLC12A1 protein (p.Ala498Val). This variant is not present in population databases (gnomAD no frequency). This missense change has been observed in individuals with clinical features of Bartter syndrome (PMID: 20219833, 25422309, 31672324, 34345425). ClinVar contains an entry for this variant (Variation ID: 2137670). Invitae Evidence Modeling of protein sequence and biophysical properties (such as structural, functional, and spatial information, amino acid conservation, physicochemical variation, residue mobility, and thermodynamic stability) has been performed for this missense variant. However, the output from this modeling did not meet the statistical confidence thresholds required to predict the impact of this variant on SLC12A1 protein function. Studies have shown that this missense change is associated with altered splicing (PMID: 36092934). In summary, the currently available evidence indicates that the variant is pathogenic, but additional data are needed to prove that conclusively. Therefore, this variant has been classified as Likely Pathogenic.

Women's Health and Genetics/Laboratory Corporation of America, LabCorp
Classification: Likely pathogenic for Bartter syndrome. Last evaluated: 2024-08-09. Review status: criteria provided, single submitter. Criteria: LabCorp Variant Classification Summary - May 2015. Collection method: clinical testing. Allele origin: germline.
Comment: Variant summary: SLC12A1 c.1493C>T (p.Ala498Val) results in a non-conservative amino acid change located in the Amino acid permease/ SLC12A domain (IPR004841) of the encoded protein sequence. Five of five in-silico tools predict a damaging effect of the variant on protein function. The frequency data for this variant in gnomAD is considered unreliable, as metrics indicate poor data quality at this position. c.1493C>T has been reported in the literature in individuals affected with Bartter Syndrome (examples: Corbetta_2015, Peces_2021, Anderegg_2024). These data indicate that the variant is likely to be associated with disease. The following publications have been ascertained in the context of this evaluation (PMID: 34345425, 38544324, 25422309). ClinVar contains an entry for this variant (Variation ID: 2137670). Based on the evidence outlined above, the variant was classified as likely pathogenic.

Fulgent Genetics
Classification: Likely pathogenic for Bartter disease type 1. Last evaluated: 2024-04-19. Review status: criteria provided, single submitter. Criteria: ACMG Guidelines, 2015. Collection method: clinical testing. Allele origin: germline.

Literature cited by the submitters: PubMed 20219833 (cited by Labcorp Genetics (formerly Invitae), Labcorp); PubMed 25422309 (cited by Labcorp Genetics (formerly Invitae), Labcorp and Women's Health and Genetics/Laboratory Corporation of America, LabCorp); PubMed 31672324 (cited by Labcorp Genetics (formerly Invitae), Labcorp); PubMed 34345425 (cited by Labcorp Genetics (formerly Invitae), Labcorp and Women's Health and Genetics/Laboratory Corporation of America, LabCorp); PubMed 36092934 (cited by Labcorp Genetics (formerly Invitae), Labcorp); PubMed 38544324 (cited by Women's Health and Genetics/Laboratory Corporation of America, LabCorp).